The following is an entry in ClinVar:

NM_014339.7(IL17RA):c.1907A>G (p.Asp636Gly)

Gene: IL17RA (interleukin 17 receptor A; plus strand). Cytogenetic location: 22q11.1.
Variant type: single nucleotide variant.
Coding change: c.1907A>G on transcript NM_014339.7 (MANE Select); coding-DNA position 1907, A replaced by G.
Protein change: p.Asp636Gly; replaces aspartic acid 636 with glycine.
Molecular consequence: missense variant.
Genome position (GRCh38, 1-based): chr22:17,109,126, A>G. VCF-style: chr22-17109126-A-G. GRCh37 (hg19) VCF-style: chr22-17590016-A-G.
Other names: c.1805A>G, p.Asp602Gly (NM_001289905.2); short protein forms D636G, D602G.
Identifiers: ClinVar variation 1029306 (VCV001029306.6), dbSNP rs868771675, ClinGen allele CA321153014.

ClinVar aggregate classification (germline): Uncertain significance. Review status: criteria provided, multiple submitters, no conflicts (2 of 4 stars). 3 submissions from 3 submitters: Uncertain significance (3). Last evaluated 2022-10-17.

Conditions:
Immunodeficiency 51 (IMD51). Also called: CANDIDIASIS, FAMILIAL, 5. Identifiers: Orphanet 1334, MedGen C4310803, MONDO:0013500, OMIM 613953.

Allele frequency attached by ClinVar (database versions not stated): gnomAD exomes below 0.00001.
gnomAD v4.1: 1 of 1,546,796 alleles (0.000065%); highest among the groups gnomAD compares: Middle Eastern, 0.021%; no homozygotes.

Submissions (3):

Labcorp Genetics (formerly Invitae), Labcorp
Classification: Uncertain significance for Immunodeficiency 51. Last evaluated: 2022-10-17. Review status: criteria provided, single submitter. Criteria: Invitae Variant Classification Sherloc (09022015). Collection method: clinical testing. Allele origin: germline.
Comment: This sequence change replaces aspartic acid, which is acidic and polar, with glycine, which is neutral and non-polar, at codon 636 of the IL17RA protein (p.Asp636Gly). This variant is not present in population databases (gnomAD no frequency). This variant has not been reported in the literature in individuals affected with IL17RA-related conditions. ClinVar contains an entry for this variant (Variation ID: 1029306). Advanced modeling of protein sequence and biophysical properties (such as structural, functional, and spatial information, amino acid conservation, physicochemical variation, residue mobility, and thermodynamic stability) performed at Invitae indicates that this missense variant is not expected to disrupt IL17RA protein function. In summary, the available evidence is currently insufficient to determine the role of this variant in disease. Therefore, it has been classified as a Variant of Uncertain Significance.

Baylor Genetics
Classification: Uncertain significance for Immunodeficiency 51. Last evaluated: 2020-09-02. Review status: criteria provided, single submitter. Criteria: ACMG Guidelines, 2015. Collection method: clinical testing. Allele origin: unknown. Affected: yes.
Comment: This variant was determined to be of uncertain significance according to ACMG Guidelines, 2015 [PMID:25741868].

Breakthrough Genomics
Classification: Uncertain significance. Review status: criteria provided, single submitter. Criteria: ACMG Guidelines, 2015. Collection method: not provided. Allele origin: germline. Inheritance: Autosomal dominant inheritance. Affected: yes.